The following is an entry in ClinVar:

ClinVar aggregate classification (germline): Uncertain significance (1 of 4 stars; one submission).

Allele frequency attached by ClinVar (database versions not stated): gnomAD exomes below 0.00001.
gnomAD v4.1: 3 of 1,613,968 alleles (0.00019%); highest among the groups gnomAD compares: Non-Finnish European, 0.00017%; no homozygotes.

Submission:

Women's Health and Genetics/Laboratory Corporation of America, LabCorp
Classification: Uncertain significance. Last evaluated: 2024-12-18. Review status: criteria provided, single submitter. Criteria: LabCorp Variant Classification Summary - May 2015. Collection method: clinical testing. Allele origin: germline.
Comment: Variant summary: DOK7 c.512G>A (p.Gly171Asp) results in a non-conservative amino acid change located in the IRS-type PTB domain (IPR002404) of the encoded protein sequence. Five of five in-silico tools predict a damaging effect of the variant on protein function. The variant allele was found at a frequency of 4e-06 in 250672 control chromosomes (gnomAD). c.512G>A has been reported in the literature in at least one individual affected with Congenital Myasthenic Syndrome (Cossins_2012, Burke_2012). One of these studies also reported experimental evidence evaluating an impact on protein function, and demonstrated drastic effect on AChR clustering, significantly reducing the number of clusters to approximately background levels (Cossins_2012). The following publications have been ascertained in the context of this evaluation (PMID: 23219351, 22661499). ClinVar contains an entry for this variant (Variation ID: 1301383). Based on the evidence outlined above, the variant was classified as VUS-possibly pathogenic.

Literature cited by the submitters: PubMed 23219351; PubMed 22661499.

NM_173660.5(DOK7):c.512G>A (p.Gly171Asp)

Gene: DOK7 (docking protein 7; plus strand). Cytogenetic location: 4p16.3.
Variant type: single nucleotide variant.
Coding change: c.512G>A on transcript NM_173660.5 (MANE Select); coding-DNA position 512, G replaced by A.
Protein change: p.Gly171Asp; replaces glycine 171 with aspartic acid.
Molecular consequence: missense variant. On other transcripts: intron variant (1).
Genome position (GRCh38, 1-based): chr4:3,476,522, G>A. VCF-style: chr4-3476522-G-A. GRCh37 (hg19) VCF-style: chr4-3478249-G-A.
Other names: c.512G>A, p.Gly171Asp (NM_001164673.2, NM_001301071.2); c.101-9017G>A (NM_001363811.2); short protein forms G171D.
Identifiers: ClinVar variation 1301383 (VCV001301383.2), dbSNP rs1286619522, ClinGen allele CA356114485.
Genomic context (GRCh38, chr4:3,476,522, plus strand): 5'-AGTGGAAGCTGTCTGACCTCCGGCGCTACGGGGCCGTGCCAAGCGGATTCATCTTTGAAG[G>A]CGGGACCAGGTGTGGGTACTGTAAGTACGGATGTGTGGGGTCACTGGGCAGCAGCAGCAC-3'
Protein context (NP_775931.3, residues 161-181): GAVPSGFIFE[Gly171Asp]GTRCGYWAGV